The following is an entry in ClinVar:

NM_006892.4(DNMT3B):c.1454G>A (p.Arg485Gln)

Gene: DNMT3B (DNA methyltransferase 3 beta; plus strand). Cytogenetic location: 20q11.21.
Variant type: single nucleotide variant.
Coding change: c.1454G>A on transcript NM_006892.4 (MANE Select); coding-DNA position 1454, G replaced by A.
Protein change: p.Arg485Gln; replaces arginine 485 with glutamine.
Molecular consequence: missense variant.
Genome position (GRCh38, 1-based): chr20:32,797,263, G>A. VCF-style: chr20-32797263-G-A. GRCh37 (hg19) VCF-style: chr20-31385069-G-A.
Other names: c.1268G>A, p.Arg423Gln (NM_001207055.2); c.1166G>A, p.Arg389Gln (NM_001207056.2); c.1394G>A, p.Arg465Gln (NM_175848.2, NM_175849.2); c.1430G>A, p.Arg477Gln (NM_175850.3); short protein forms R485Q, R423Q, R477Q, R389Q, R465Q.
Identifiers: ClinVar variation 450700 (VCV000450700.2), dbSNP rs867242533, ClinGen allele CA313153704.
Genomic context (GRCh38, chr20:32,797,263, plus strand): 5'-TGTTTTACATGTATGATGACGATGGCTATCAGTCTTACTGCACTGTGTGCTGCGAGGGCC[G>A]AGAGCTGCTGCTTTGCAGCAACACGAGCTGCTGCCGGTGAGCACTGGGCCCTGTGGGGTG-3'
Protein context (NP_008823.1, residues 475-495): QSYCTVCCEG[Arg485Gln]ELLLCSNTSC

ClinVar aggregate classification (germline): Uncertain significance (1 of 4 stars; one submission).

Allele frequency attached by ClinVar (database versions not stated): gnomAD exomes below 0.00001 and 0.00001; gnomAD 0.00002; TOPMed 0.00002.

Submission:

GeneDx
Classification: Uncertain significance. Last evaluated: 2018-10-09. Review status: criteria provided, single submitter. Criteria: GeneDx Variant Classification (06012015). Collection method: clinical testing. Allele origin: germline. Affected: yes.
Comment: The R485Q variant in the DNMT3B gene has not been reported previously as a pathogenic variant, nor as a benign variant, to our knowledge. The R485Q variant is not observed in large population cohorts (Lek et al., 2016; 1000 Genomes Consortium et al., 2015; Exome Variant Server). The R485Q variant is a semi-conservative amino acid substitution, which may impact secondary protein structure as these residues differ in some properties. This substitution occurs at a position where amino acids with similar properties to Arginine are tolerated across species. In silico analysis is inconsistent in its predictions as to whether or not the variant is damaging to the protein structure/function. We interpret R485Q as a variant of uncertain significance.